The following is an entry in ClinVar:

NM_000081.4(LYST):c.2078T>C (p.Leu693Ser)

Gene: LYST (lysosomal trafficking regulator; minus strand). Cytogenetic location: 1q42.3.
Variant type: single nucleotide variant.
Coding change: c.2078T>C on transcript NM_000081.4 (MANE Select); coding-DNA position 2078, T replaced by C.
Protein change: p.Leu693Ser; replaces leucine 693 with serine.
Molecular consequence: missense variant.
Genome position (GRCh38, 1-based): chr1:235,808,740, A>G on the plus strand (T>C on the coding strand, the complement: LYST is on the minus strand). VCF-style: chr1-235808740-A-G. GRCh37 (hg19) VCF-style: chr1-235972040-A-G.
Other names: c.2078T>C, p.Leu693Ser (NM_001301365.1); short protein forms L693S.
Identifiers: ClinVar variation 1525299 (VCV001525299.7), dbSNP rs2527105696, ClinGen allele CA344959383.

ClinVar aggregate classification (germline): Uncertain significance (1 of 4 stars; one submission).

Conditions:
Chédiak-Higashi syndrome (CHS). Also called: Chediak-Higashi Syndrome. Identifiers: Orphanet 167, MedGen C0007965, MONDO:0008963, OMIM 214500.

Allele frequency attached by ClinVar (database versions not stated): gnomAD exomes below 0.00001.
gnomAD v4.1: 1 of 1,614,030 alleles (0.000062%); highest among the groups gnomAD compares: South Asian, 0.0011%; no homozygotes.

Submission:

Labcorp Genetics (formerly Invitae), Labcorp
Classification: Uncertain significance for Chédiak-Higashi syndrome. Last evaluated: 2024-10-16. Review status: criteria provided, single submitter. Criteria: Invitae Variant Classification Sherloc (09022015). Collection method: clinical testing. Allele origin: germline.
Comment: This sequence change replaces leucine, which is neutral and non-polar, with serine, which is neutral and polar, at codon 693 of the LYST protein (p.Leu693Ser). This variant is not present in population databases (gnomAD no frequency). This variant has not been reported in the literature in individuals affected with LYST-related conditions. ClinVar contains an entry for this variant (Variation ID: 1525299). Invitae Evidence Modeling of protein sequence and biophysical properties (such as structural, functional, and spatial information, amino acid conservation, physicochemical variation, residue mobility, and thermodynamic stability) indicates that this missense variant is expected to disrupt LYST protein function with a positive predictive value of 80%. In summary, the available evidence is currently insufficient to determine the role of this variant in disease. Therefore, it has been classified as a Variant of Uncertain Significance.